The following is an entry in ClinVar:

ClinVar aggregate classification (germline): Benign (1 of 4 stars; one submission).

Allele frequency attached by ClinVar (database versions not stated): TOPMed 0.87912; 1000 Genomes Project 30x 0.88210; 1000 Genomes Project 0.88618; gnomAD 0.88889; gnomAD exomes 0.95301.
gnomAD v4.1: 161,151 of 179,276 alleles (90%); highest among the groups gnomAD compares: East Asian, 100%; 73,532 homozygotes.

Submission:

Unidad de Genómica Garrahan, Hospital de Pediatría Garrahan
Classification: Benign. Last evaluated: 2024-07-15. Review status: criteria provided, single submitter. Criteria: ACMG Guidelines, 2015. Collection method: clinical testing. Allele origin: germline. Affected: no. Observed: 49 variant alleles.
Comment: This variant is classified as Benign based on local population frequency. This variant was detected in 53% of patients studied in a panel designed for Epileptic and Developmental Encephalopathy and Progressive Myoclonus Epilepsy. Number of patients: 49. Only high quality variants are reported.

NM_015192.4(PLCB1):c.3423+1966T>C

Gene: PLCB1 (phospholipase C beta 1; plus strand). Cytogenetic location: 20p12.3.
Variant type: single nucleotide variant.
Coding change: c.3423+1966T>C on transcript NM_015192.4 (MANE Select); 1966 bases into the intron after coding-DNA position 3423, T replaced by C.
Molecular consequence: intron variant.
Genome position (GRCh38, 1-based): chr20:8,792,227, T>C. VCF-style: chr20-8792227-T-C. GRCh37 (hg19) VCF-style: chr20-8772874-T-C.
Other names: c.3423+1966T>C (NM_182734.3).
Identifiers: ClinVar variation 3255269 (VCV003255269.2), dbSNP rs6039272.